The following is an entry in ClinVar:

NM_018834.6(MATR3):c.2494-9_2494-8delinsAA

Gene: MATR3 (matrin 3; plus strand). Cytogenetic location: 5q31.2.
Variant type: Indel.
Coding change: c.2494-9_2494-8delinsAA on transcript NM_018834.6 (MANE Select); 9 bases into the intron before coding-DNA position 2494 through 8 bases into the intron before coding-DNA position 2494, TC replaced by AA.
Molecular consequence: intron variant.
Genome position (GRCh38, 1-based): chr5:139,329,336-139,329,337, TC replaced by AA. VCF-style: chr5-139329336-TC-AA. GRCh37 (hg19) VCF-style: chr5-138665025-TC-AA.
Other names: c.2494-9_2494-8delinsAA (NM_001400451.1, NM_001400450.1, NM_001400455.1 and 11 more transcripts); c.2638-9_2638-8delinsAA (NM_001400441.1, NM_001400444.1, NM_001400442.1 and 2 more transcripts); c.1633-9_1633-8delinsAA (NM_001400459.1); c.1480-9_1480-8delinsAA (NM_001400463.1, NM_001282278.2, NM_001400462.1 and 4 more transcripts); c.1624-9_1624-8delinsAA (NM_001400460.1); c.1594-9_1594-8delinsAA (NM_001400461.1); c.1630-9_1630-8delinsAA (NM_001194956.2).
Identifiers: ClinVar variation 2028598 (VCV002028598.4), dbSNP rs2546902068, ClinGen allele CA2580072932.

ClinVar aggregate classification (germline): Uncertain significance (1 of 4 stars; one submission).

Conditions:
Amyotrophic lateral sclerosis type 21. Also called: MYOPATHY, DISTAL, 2; VOCAL CORD AND PHARYNGEAL DYSFUNCTION WITH DISTAL MYOPATHY. Identifiers: Orphanet 600, Orphanet 803, MedGen C3807521, MONDO:0011632, OMIM 606070.

Submission:

Labcorp Genetics (formerly Invitae), Labcorp
Classification: Uncertain significance for Amyotrophic lateral sclerosis type 21. Last evaluated: 2022-12-12. Review status: criteria provided, single submitter. Criteria: Invitae Variant Classification Sherloc (09022015). Collection method: clinical testing. Allele origin: germline.
Comment: This sequence change falls in intron 17 of the MATR3 gene. It does not directly change the encoded amino acid sequence of the MATR3 protein. In summary, the available evidence is currently insufficient to determine the role of this variant in disease. Therefore, it has been classified as a Variant of Uncertain Significance. Experimental studies and prediction algorithms are not available or were not evaluated, and the effect of this variant on mRNA splicing is currently unknown. This variant has not been reported in the literature in individuals affected with MATR3-related conditions. Information on the frequency of this variant in the gnomAD database is not available, as this variant may be reported differently in the database.